The following is an entry in ClinVar:

ClinVar aggregate classification (germline): Uncertain significance (1 of 4 stars; one submission).

Conditions:
Early-infantile DEE. Also called: Early infantile epileptic encephalopathy with suppression bursts; Early infantile epileptic encephalopathy; Ohtahara syndrome. Identifiers: Orphanet 1934, MedGen C0393706, MONDO:0800491.

Submission:

Labcorp Genetics (formerly Invitae), Labcorp
Classification: Uncertain significance for Early-infantile DEE. Last evaluated: 2024-04-29. Review status: criteria provided, single submitter. Criteria: Invitae Variant Classification Sherloc (09022015). Collection method: clinical testing. Allele origin: germline.
Comment: This sequence change replaces glutamic acid, which is acidic and polar, with lysine, which is basic and polar, at codon 464 of the SCN8A protein (p.Glu464Lys). This variant is not present in population databases (gnomAD no frequency). This variant has not been reported in the literature in individuals affected with SCN8A-related conditions. ClinVar contains an entry for this variant (Variation ID: 1717120). Advanced modeling of protein sequence and biophysical properties (such as structural, functional, and spatial information, amino acid conservation, physicochemical variation, residue mobility, and thermodynamic stability) performed at Invitae indicates that this missense variant is not expected to disrupt SCN8A protein function with a negative predictive value of 95%. In summary, the available evidence is currently insufficient to determine the role of this variant in disease. Therefore, it has been classified as a Variant of Uncertain Significance.

NM_001330260.2(SCN8A):c.1390G>A (p.Glu464Lys)

Gene: SCN8A (sodium voltage-gated channel alpha subunit 8; plus strand). Cytogenetic location: 12q13.13.
Variant type: single nucleotide variant.
Coding change: c.1390G>A on transcript NM_001330260.2 (MANE Select); coding-DNA position 1390, G replaced by A.
Protein change: p.Glu464Lys; replaces glutamic acid 464 with lysine.
Molecular consequence: missense variant.
Genome position (GRCh38, 1-based): chr12:51,706,470, G>A. VCF-style: chr12-51706470-G-A. GRCh37 (hg19) VCF-style: chr12-52100254-G-A.
Other names: c.1390G>A, p.Glu464Lys (NM_001177984.3, NM_001369788.1, NM_014191.4); short protein forms E464K.
Identifiers: ClinVar variation 1717120 (VCV001717120.5), dbSNP rs1555219699, ClinGen allele CA385228697.